The following is an entry in ClinVar:

ClinVar aggregate classification (germline): Uncertain significance (1 of 4 stars; one submission).

Submission:

CeGaT Center for Human Genetics Tuebingen
Classification: Uncertain significance. Last evaluated: 2025-06-01. Review status: criteria provided, single submitter. Criteria: CeGaT Center For Human Genetics Tuebingen Variant Classification Criteria Version 2. Collection method: clinical testing. Allele origin: germline. Affected: yes. Observed: 1 variant allele.
Comment: BRAF: PM2, BP4

NM_004333.6(BRAF):c.712-7T>G

Gene: BRAF (B-Raf proto-oncogene, serine/threonine kinase; minus strand). Cytogenetic location: 7q34.
Variant type: single nucleotide variant.
Coding change: c.712-7T>G on transcript NM_004333.6 (MANE Select); 7 bases into the intron before coding-DNA position 712, T replaced by G.
Molecular consequence: intron variant.
Genome position (GRCh38, 1-based): chr7:140,801,567, A>C on the plus strand (T>G on the coding strand, the complement: BRAF is on the minus strand). VCF-style: chr7-140801567-A-C. GRCh37 (hg19) VCF-style: chr7-140501367-A-C.
Other names: c.712-7T>G (NM_001378474.1, NM_001378471.1, NM_001378468.1 and 4 more transcripts); c.610-7T>G (NM_001378470.1); c.448-7T>G (NM_001378475.1); c.721-7T>G (NM_001378467.1); c.556-7T>G (NM_001378472.1, NM_001378473.1).
Identifiers: ClinVar variation 4085247 (VCV004085247.8).